The following is an entry in ClinVar:

ClinVar aggregate classification (germline): Uncertain significance (1 of 4 stars; one submission).

gnomAD v4.1: 3 of 1,612,924 alleles (0.00019%); highest among the groups gnomAD compares: Non-Finnish European, 0.00025%; no homozygotes.

Submission:

CeGaT Center for Human Genetics Tuebingen
Classification: Uncertain significance. Last evaluated: 2026-06-01. Review status: criteria provided, single submitter. Criteria: CeGaT Center For Human Genetics Tuebingen Variant Classification Criteria Version 2. Collection method: clinical testing. Allele origin: germline. Affected: yes. Observed: 1 variant allele.
Comment: AIMP1: PM2

NM_001142416.2(AIMP1):c.42G>T (p.Lys14Asn)

Gene: AIMP1 (aminoacyl tRNA synthetase complex interacting multifunctional protein 1; plus strand). Cytogenetic location: 4q24.
Variant type: single nucleotide variant.
Coding change: c.42G>T on transcript NM_001142416.2 (MANE Select); coding-DNA position 42, G replaced by T.
Protein change: p.Lys14Asn; replaces lysine 14 with asparagine.
Molecular consequence: missense variant.
Genome position (GRCh38, 1-based): chr4:106,325,051, G>T. VCF-style: chr4-106325051-G-T. GRCh37 (hg19) VCF-style: chr4-107246208-G-T.
Other names: c.42G>T, p.Lys14Asn (NM_001142415.2, NM_004757.4); short protein forms K14N.
Identifiers: ClinVar variation 4872932 (VCV004872932.2).